The following is an entry in ClinVar:

NM_004281.4(BAG3):c.685C>T (p.Gln229Ter)

Gene: BAG3 (BAG cochaperone 3; plus strand). Cytogenetic location: 10q26.11.
Variant type: single nucleotide variant.
Coding change: c.685C>T on transcript NM_004281.4 (MANE Select); coding-DNA position 685, C replaced by T.
Protein change: p.Gln229Ter; replaces glutamine 229 with a stop codon.
Molecular consequence: nonsense.
Genome position (GRCh38, 1-based): chr10:119,672,432, C>T. VCF-style: chr10-119672432-C-T. GRCh37 (hg19) VCF-style: chr10-121431944-C-T.
Other names: short protein forms Q229*.
Identifiers: ClinVar variation 4854130 (VCV004854130.1).

ClinVar aggregate classification (germline): Likely pathogenic (1 of 4 stars; one submission).

Conditions:
Dilated cardiomyopathy 1HH (CMD1HH). Identifiers: Orphanet 154, MedGen C3151293, MONDO:0013479, OMIM 613881.

Submission:

3billion
Classification: Likely pathogenic for Dilated cardiomyopathy 1HH. Last evaluated: 2025-12-08. Review status: criteria provided, single submitter. Criteria: ACMG Guidelines, 2015. Collection method: clinical testing. Allele origin: germline. Affected: yes.
Comment: The variant is not observed in the gnomAD v4.1.0 dataset. Predicted Consequence/Location: Stop-gained (nonsense): predicted to result in a loss or disruption of normal protein function through nonsense-mediated decay (NMD) or protein truncation. Multiple pathogenic variants are reported downstream of the variant. Therefore, this variant is classified as Likely pathogenic according to the recommendation of ACMG/AMP guideline.